The following is an entry in ClinVar:

NM_003073.5(SMARCB1):c.109C>T (p.Arg37Cys)

Gene: SMARCB1 (SWI/SNF related BAF chromatin remodeling complex subunit B1; plus strand). Cytogenetic location: 22q11.23.
Variant type: single nucleotide variant.
Coding change: c.109C>T on transcript NM_003073.5 (MANE Select); coding-DNA position 109, C replaced by T.
Protein change: p.Arg37Cys; replaces arginine 37 with cysteine.
Molecular consequence: missense variant.
Genome position (GRCh38, 1-based): chr22:23,791,771, C>T. VCF-style: chr22-23791771-C-T. GRCh37 (hg19) VCF-style: chr22-24133958-C-T.
Other names: c.109C>T, p.Arg37Cys (NM_001007468.3, NM_001317946.2, NM_001362877.2); short protein forms R37C.
Identifiers: ClinVar variation 3363753 (VCV003363753.4).

ClinVar aggregate classification (germline): Pathogenic/Likely pathogenic. Review status: criteria provided, multiple submitters, no conflicts (2 of 4 stars). 3 submissions from 3 submitters: Pathogenic (2); Likely pathogenic (1). Last evaluated 2026-08-12.

Conditions:
Hereditary cancer-predisposing syndrome. Also called: Hereditary Cancer Syndrome; Hereditary neoplastic syndrome; Neoplastic Syndromes, Hereditary; Tumor predisposition. Identifiers: Orphanet 140162, MedGen C0027672, MeSH D009386, MONDO:0015356.
Intellectual disability, autosomal dominant 15 (CSS3). Also called: COFFIN-SIRIS SYNDROME 3. Identifiers: Orphanet 1465, MedGen C3553248, MONDO:0013820, OMIM 614608.

Submissions (3):

Institute of Human Genetics, University of Leipzig Medical Center
Classification: Likely pathogenic for Intellectual disability, autosomal dominant 15. Last evaluated: 2026-08-12. Review status: criteria provided, single submitter. Criteria: ACMG Guidelines, 2015. Collection method: clinical testing. Allele origin: unknown. Inheritance: Autosomal dominant inheritance. Affected: yes.
Comment: Criteria applied: PS4_MOD,PM2,PM5,PP2,PP3

Ambry Genetics
Classification: Pathogenic for Hereditary cancer-predisposing syndrome. Last evaluated: 2025-12-26. Review status: criteria provided, single submitter. Criteria: Ambry Variant Classification Scheme 2023. Collection method: clinical testing. Allele origin: germline.
Comment: The c.109C>T (p.R37C) alteration is located in exon 2 (coding exon 2) of the SMARCB1 gene. This alteration results from a C to T substitution at nucleotide position 109, causing the arginine (R) at amino acid position 37 to be replaced by a cysteine (C). for autosomal dominant SMARCB1-related Coffin-Siris syndrome; however, it is unlikely to be causative of SMARCB1-related tumor predisposition. This variant was not reported in population-based cohorts in the Genome Aggregation Database (gnomAD). This variant was reported in individual(s) with features consistent with SMARCB1-related Coffin-Siris syndrome; in at least one individual, it was determined to be de novo (external communication). Other variant(s) at the same codon, c.110G>A (p.R37H) have been identified in individual(s) with features consistent with SMARCB1-related Coffin-Siris syndrome (Diets, 2019). This amino acid position is highly conserved in available vertebrate species. This alteration is predicted to be deleterious by in silico analysis. Based on the available evidence, this alteration is classified as pathogenic.

GeneDx
Classification: Pathogenic. Last evaluated: 2025-08-11. Review status: criteria provided, single submitter. Criteria: GeneDx Variant Classification Process June 2021. Collection method: clinical testing. Allele origin: germline.
Comment: Has not been previously published as pathogenic or benign to our knowledge; Not observed at significant frequency in large population cohorts (gnomAD); In silico analysis supports that this missense variant has a deleterious effect on protein structure/function; This variant is associated with the following publications: (PMID: 26073604, 22726846, 29907796)

Literature cited by the submitters: PubMed 29907796 (cited by Ambry Genetics).